The following is an entry in ClinVar:

ClinVar aggregate classification (germline): Uncertain significance (1 of 4 stars; one submission).

Conditions:
STAT3 gain of function. Identifiers: MedGen C4288261.
Hyper-IgE recurrent infection syndrome 1, autosomal dominant. Also called: JOB SYNDROME; Job's Syndrome; STAT3 Hyper IgE Syndrome; Hyper-IgE recurrent infection syndrome 1; HYPER-IgE SYNDROME 1, AUTOSOMAL DOMINANT, WITH RECURRENT INFECTIONS. Identifiers: Orphanet 2314, MedGen C2936739, MONDO:0007818, OMIM 147060.

Allele frequency attached by ClinVar (database versions not stated): gnomAD exomes below 0.00001 and 0.00001; TOPMed below 0.00001; ExAC 0.00001.
gnomAD v4.1: 2 of 1,614,018 alleles (0.00012%); highest among the groups gnomAD compares: East Asian, 0.0045%; no homozygotes.

Submission:

Labcorp Genetics (formerly Invitae), Labcorp
Classification: Uncertain significance for STAT3 gain of function; Hyper-IgE recurrent infection syndrome 1, autosomal dominant. Last evaluated: 2025-05-25. Review status: criteria provided, single submitter. Criteria: Invitae Variant Classification Sherloc (09022015). Collection method: clinical testing. Allele origin: germline.
Comment: This sequence change affects codon 125 of the STAT3 mRNA. It is a 'silent' change, meaning that it does not change the encoded amino acid sequence of the STAT3 protein. This variant is present in population databases (rs747081170, gnomAD 0.02%). This variant has not been reported in the literature in individuals affected with STAT3-related conditions. ClinVar contains an entry for this variant (Variation ID: 844904). Algorithms developed to predict the effect of sequence changes on RNA splicing suggest that this variant may create or strengthen a splice site. In summary, the available evidence is currently insufficient to determine the role of this variant in disease. Therefore, it has been classified as a Variant of Uncertain Significance.

NM_139276.3(STAT3):c.375A>G (p.Gln125=)

Gene: STAT3 (signal transducer and activator of transcription 3; minus strand). Cytogenetic location: 17q21.2.
Variant type: single nucleotide variant.
Coding change: c.375A>G on transcript NM_139276.3 (MANE Select); coding-DNA position 375, A replaced by G.
Protein change: p.Gln125=; no amino-acid change (glutamine 125 retained).
Molecular consequence: synonymous variant.
Genome position (GRCh38, 1-based): chr17:42,339,407, T>C on the plus strand (A>G on the coding strand, the complement: STAT3 is on the minus strand). VCF-style: chr17-42339407-T-C. GRCh37 (hg19) VCF-style: chr17-40491425-T-C.
Other names: c.375A>G, p.Gln125= (NM_001369512.1, NM_001369513.1, NM_001369514.1 and 7 more transcripts).
Identifiers: ClinVar variation 844904 (VCV000844904.10), dbSNP rs747081170, ClinGen allele CA8575645.
Genomic context (GRCh38, chr17:42,339,407, plus strand): 5'-CTCCAGCATCTGCTGCTTCTCCGTCACCACGGCTGCTGTGGGGTGGTTGGCCTGGCCCCC[T>C]TGCTGCCAAAAAGGAGGTCAATGCACATGTGAACACAGAACTATGGGGAGAGGAATACCT-3'
Protein context (NP_644805.1, residues 115-135): LLQTAATAAQ[Gln125=]GGQANHPTAA